The following is an entry in ClinVar:

NM_000382.3(ALDH3A2):c.551C>G (p.Thr184Arg)

Gene: ALDH3A2 (aldehyde dehydrogenase 3 family member A2; plus strand). Cytogenetic location: 17p11.2.
Variant type: single nucleotide variant.
Coding change: c.551C>G on transcript NM_000382.3 (MANE Select); coding-DNA position 551, C replaced by G.
Protein change: p.Thr184Arg; replaces threonine 184 with arginine.
Molecular consequence: missense variant. On other transcripts: 5 prime UTR variant (1).
Genome position (GRCh38, 1-based): chr17:19,656,445, C>G. VCF-style: chr17-19656445-C-G. GRCh37 (hg19) VCF-style: chr17-19559758-C-G.
Other names: c.551C>G, p.Thr184Arg (NM_001031806.2, NM_001369136.1, NM_001369137.2 and 3 more transcripts); c.-29C>G (NM_001369148.2); short protein forms T184R.
Identifiers: ClinVar variation 3251390 (VCV003251390.3), dbSNP rs72547562.

ClinVar aggregate classification (germline): Pathogenic/Likely pathogenic. Review status: criteria provided, multiple submitters, no conflicts (2 of 4 stars). 3 submissions from 3 submitters: Pathogenic (2); Likely pathogenic (1). Last evaluated 2024-04-15.

Conditions:
Sjögren-Larsson syndrome (SLS). Also called: FALDH DEFICIENCY; FATTY ALCOHOL:NAD+ OXIDOREDUCTASE DEFICIENCY; FATTY ALDEHYDE DEHYDROGENASE DEFICIENCY; ICHTHYOSIS, SPASTIC NEUROLOGIC DISORDER, AND OLIGOPHRENIA. Identifiers: Orphanet 816, MedGen C0037231, MONDO:0010031, OMIM 270200.

gnomAD v4.1: 1 of 1,614,166 alleles (0.000062%); highest among the groups gnomAD compares: Non-Finnish European, 0.000085%; no homozygotes.

Submissions (3):

Fulgent Genetics
Classification: Pathogenic for Sjögren-Larsson syndrome. Last evaluated: 2024-04-15. Review status: criteria provided, single submitter. Criteria: ACMG Guidelines, 2015. Collection method: clinical testing. Allele origin: germline.

Women's Health and Genetics/Laboratory Corporation of America, LabCorp
Classification: Pathogenic for Sjögren-Larsson syndrome. Last evaluated: 2024-04-09. Review status: criteria provided, single submitter. Criteria: LabCorp Variant Classification Summary - May 2015. Collection method: clinical testing. Allele origin: germline.
Comment: Variant summary: ALDH3A2 c.551C>G (p.Thr184Arg) results in a non-conservative amino acid change located in the Aldehyde dehydrogenase domain (IPR015590) of the encoded protein sequence. Five of five in-silico tools predict a damaging effect of the variant on protein function. The variant was absent in 251476 control chromosomes (gnomAD). c.551C>G has been reported in the literature in multiple individuals affected with Sjogren-Larsson Syndrome (e.g. Abdel-Hamid_2019). These data indicate that the variant is very likely to be associated with disease. The following publication has been ascertained in the context of this evaluation (PMID: 31273323). No submitters have cited clinical-significance assessments for this variant to ClinVar. Based on the evidence outlined above, the variant was classified as pathogenic.

3billion
Classification: Likely pathogenic for Sjögren-Larsson syndrome. Last evaluated: 2024-03-08. Review status: criteria provided, single submitter. Criteria: ACMG Guidelines, 2015. Collection method: clinical testing. Allele origin: germline. Affected: yes.
Comment: The variant is not observed in the gnomAD v2.1.1 dataset. Predicted Consequence/Location: Missense variant In silico tool predictions suggest damaging effect of the variant on gene or gene product [REVEL: 0.91 (>=0.6, sensitivity 0.68 and specificity 0.92); 3Cnet: 1.00 (>=0.6, sensitivity 0.72 and precision 0.9)]. Same nucleotide change resulting in same amino acid change has been previously reported to be associated with ALDH3A2-related disorder (PMID: 10577908).Different missense changes at the same codon (p.Thr184Ala, p.Thr184Lys, p.Thr184Met) have been reported as pathogenic/likely pathogenic with strong evidence (ClinVar ID: VCV000188768, VCV001496161 /PMID: 10577908, 36600615). Therefore, this variant is classified as Likely pathogenic according to the recommendation of ACMG/AMP guideline.

Literature cited by the submitters: PubMed 31273323 (cited by Women's Health and Genetics/Laboratory Corporation of America, LabCorp); PubMed 10577908 (cited by 3billion).